The following is an entry in ClinVar:

ClinVar aggregate classification (germline): Uncertain significance (1 of 4 stars; one submission).

Conditions:
Inborn genetic diseases. Identifiers: MedGen C0950123, MeSH D030342.

Submission:

Ambry Genetics
Classification: Uncertain significance for Inborn genetic diseases. Last evaluated: 2024-05-10. Review status: criteria provided, single submitter. Criteria: Ambry Variant Classification Scheme 2023. Collection method: clinical testing. Allele origin: germline.
Comment: The p.L851V variant (also known as c.2551C>G), located in coding exon 16 of the EPAS1 gene, results from a C to G substitution at nucleotide position 2551. The leucine at codon 851 is replaced by valine, an amino acid with highly similar properties. This amino acid position is conserved. In addition, this alteration is predicted to be tolerated by in silico analysis. Since supporting evidence is limited at this time, the clinical significance of this alteration remains unclear.

NM_001430.5(EPAS1):c.2551C>G (p.Leu851Val)

Gene: EPAS1 (endothelial PAS domain protein 1; plus strand). Cytogenetic location: 2p21.
Variant type: single nucleotide variant.
Coding change: c.2551C>G on transcript NM_001430.5 (MANE Select); coding-DNA position 2551, C replaced by G.
Protein change: p.Leu851Val; replaces leucine 851 with valine.
Molecular consequence: missense variant.
Genome position (GRCh38, 1-based): chr2:46,384,598, C>G. VCF-style: chr2-46384598-C-G. GRCh37 (hg19) VCF-style: chr2-46611737-C-G.
Other names: short protein forms L851V.
Identifiers: ClinVar variation 1792957 (VCV001792957.3), dbSNP rs2103682568, ClinGen allele CA346707108.
Genomic context (GRCh38, chr2:46,384,598, plus strand): 5'-TTTGAGTCCTACCTGCTGCCCGAACTGACCAGATATGACTGTGAGGTGAACGTGCCCGTG[C>G]TGGGAAGCTCCACGCTCCTGCAAGGAGGGGACCTCCTCAGAGCCCTGGACCAGGCCACCT-3'
Protein context (NP_001421.2, residues 841-861): RYDCEVNVPV[Leu851Val]GSSTLLQGGD